The following is an entry in ClinVar:

NM_020706.2(SCAF4):c.113A>T (p.Lys38Met)

Gene: SCAF4 (SR-related CTD associated factor 4; minus strand). Cytogenetic location: 21q22.11.
Variant type: single nucleotide variant.
Coding change: c.113A>T on transcript NM_020706.2 (MANE Select); coding-DNA position 113, A replaced by T.
Protein change: p.Lys38Met; replaces lysine 38 with methionine.
Molecular consequence: missense variant.
Genome position (GRCh38, 1-based): chr21:31,706,275, T>A on the plus strand (A>T on the coding strand, the complement: SCAF4 is on the minus strand). VCF-style: chr21-31706275-T-A. GRCh37 (hg19) VCF-style: chr21-33078588-T-A.
Other names: c.113A>T, p.Lys38Met (NM_001145444.1, NM_001145445.1); short protein forms K38M.
Identifiers: ClinVar variation 1699707 (VCV001699707.2), dbSNP rs2123606649, ClinGen allele CA410052109.

ClinVar aggregate classification (germline): Uncertain significance (1 of 4 stars; one submission).

Submission:

GeneDx
Classification: Uncertain significance. Last evaluated: 2022-01-28. Review status: criteria provided, single submitter. Criteria: GeneDx Variant Classification Process June 2021. Collection method: clinical testing. Allele origin: germline. Affected: yes.
Comment: Not observed at significant frequency in large population cohorts (gnomAD); In silico analysis supports that this missense variant has a deleterious effect on protein structure/function; Has not been previously published as pathogenic or benign to our knowledge